The following is an entry in ClinVar:

ClinVar aggregate classification (germline): Uncertain significance (1 of 4 stars; one submission).

Submission:

Labcorp Genetics (formerly Invitae), Labcorp
Classification: Uncertain significance. Last evaluated: 2021-08-03. Review status: criteria provided, single submitter. Criteria: Invitae Variant Classification Sherloc (09022015). Collection method: clinical testing. Allele origin: germline.
Comment: Algorithms developed to predict the effect of missense changes on protein structure and function output the following: SIFT: "Deleterious"; PolyPhen-2: "Probably Damaging"; Align-GVGD: "Class C55". The serine amino acid residue is found in multiple mammalian species, which suggests that this missense change does not adversely affect protein function. This variant has not been reported in the literature in individuals affected with TNNI3K-related conditions. This variant is not present in population databases (ExAC no frequency). This sequence change replaces glycine with serine at codon 470 of the TNNI3K protein (p.Gly470Ser). The glycine residue is highly conserved and there is a small physicochemical difference between glycine and serine. In summary, the available evidence is currently insufficient to determine the role of this variant in disease. Therefore, it has been classified as a Variant of Uncertain Significance.

NM_015978.3(TNNI3K):c.1408G>A (p.Gly470Ser)

Genes: FPGT-TNNI3K (FPGT-TNNI3K readthrough; plus strand), TNNI3K (TNNI3 interacting kinase; plus strand). Cytogenetic location: 1p31.1.
Variant type: single nucleotide variant.
Coding change: c.1408G>A on transcript NM_015978.3 (MANE Select); coding-DNA position 1408, G replaced by A.
Protein change: p.Gly470Ser; replaces glycine 470 with serine.
Molecular consequence: missense variant.
Genome position (GRCh38, 1-based): chr1:74,369,108, G>A. VCF-style: chr1-74369108-G-A. GRCh37 (hg19) VCF-style: chr1-74834792-G-A.
Other names: c.1711G>A, p.Gly571Ser (NM_001112808.3, NM_001199327.2); short protein forms G571S, G470S.
Identifiers: ClinVar variation 1478357 (VCV001478357.6), dbSNP rs2100519516, ClinGen allele CA340785892.